The following is an entry in ClinVar:

NM_000083.3(CLCN1):c.439A>C (p.Lys147Gln)

Gene: CLCN1 (chloride voltage-gated channel 1; plus strand). Cytogenetic location: 7q34.
Variant type: single nucleotide variant.
Coding change: c.439A>C on transcript NM_000083.3 (MANE Select); coding-DNA position 439, A replaced by C.
Protein change: p.Lys147Gln; replaces lysine 147 with glutamine.
Molecular consequence: missense variant. On other transcripts: non-coding transcript variant (1).
Genome position (GRCh38, 1-based): chr7:143,321,370, A>C. VCF-style: chr7-143321370-A-C. GRCh37 (hg19) VCF-style: chr7-143018463-A-C.
Other names: c.439A>C (NM_000083.2); short protein forms K147Q.
Identifiers: ClinVar variation 2085608 (VCV002085608.4), dbSNP rs764015801, ClinGen allele CA4536956.

ClinVar aggregate classification (germline): Uncertain significance. Review status: criteria provided, multiple submitters, no conflicts (2 of 4 stars). 2 submissions from 2 submitters: Uncertain significance (2). Last evaluated 2025-11-02.

Conditions:
Congenital myotonia, autosomal recessive form. Also called: BECKER DISEASE; Becker Generalized Myotonia; myotonia congenita, autosomal recessive. Identifiers: Orphanet 614, MedGen C0751360, MONDO:0009715, OMIM 255700.
Congenital myotonia, autosomal dominant form (THD). Also called: THOMSEN DISEASE; Myotonia congenita autosomal dominant. Identifiers: Orphanet 614, MedGen C2936781, MONDO:0008055, OMIM 160800.
Inborn genetic diseases. Identifiers: MedGen C0950123, MeSH D030342.

Allele frequency attached by ClinVar (database versions not stated): gnomAD exomes below 0.00001; ExAC 0.00001.
gnomAD v4.1: 6 of 1,614,166 alleles (0.00037%); highest among the groups gnomAD compares: Admixed American, 0.0017%; no homozygotes.

Submissions (2):

Labcorp Genetics (formerly Invitae), Labcorp
Classification: Uncertain significance for Congenital myotonia, autosomal recessive form; Congenital myotonia, autosomal dominant form. Last evaluated: 2025-11-02. Review status: criteria provided, single submitter. Criteria: Invitae Variant Classification Sherloc (09022015). Collection method: clinical testing. Allele origin: germline.
Comment: This sequence change replaces lysine, which is basic and polar, with glutamine, which is neutral and polar, at codon 147 of the CLCN1 protein (p.Lys147Gln). This variant is present in population databases (rs764015801, gnomAD 0.003%). This variant has not been reported in the literature in individuals affected with CLCN1-related conditions. ClinVar contains an entry for this variant (Variation ID: 2085608). Invitae Evidence Modeling of protein sequence and biophysical properties (such as structural, functional, and spatial information, amino acid conservation, physicochemical variation, residue mobility, and thermodynamic stability) has been performed for this missense variant. However, the output from this modeling did not meet the statistical confidence thresholds required to predict the impact of this variant on CLCN1 protein function. In summary, the available evidence is currently insufficient to determine the role of this variant in disease. Therefore, it has been classified as a Variant of Uncertain Significance.

Ambry Genetics
Classification: Uncertain significance for Inborn genetic diseases. Last evaluated: 2025-01-24. Review status: criteria provided, single submitter. Criteria: Ambry Variant Classification Scheme 2023. Collection method: clinical testing. Allele origin: germline.